The following is an entry in ClinVar:

ClinVar aggregate classification (germline): Likely benign. Review status: criteria provided, single submitter (1 of 4 stars). 2 submissions from 2 submitters: Likely benign (1). 1 of the submissions does not count toward it. Last evaluated 2026-01-20.

Conditions:
KANK1-related disorder. Also called: KANK1-related condition.

Allele frequency attached by ClinVar (database versions not stated): ExAC 0.00017; gnomAD 0.00019; ESP Exome Variant Server 0.00023; TOPMed 0.00023; gnomAD exomes 0.00046.
gnomAD v4.1: 700 of 1,614,050 alleles (0.043%); highest among the groups gnomAD compares: Non-Finnish European, 0.056%; no homozygotes.

Submissions (2):

Labcorp Genetics (formerly Invitae), Labcorp
Classification: Likely benign. Last evaluated: 2026-01-20. Review status: criteria provided, single submitter. Criteria: Invitae Variant Classification Sherloc (09022015). Collection method: clinical testing. Allele origin: germline.

PreventionGenetics, part of Exact Sciences
Classification: Likely benign for KANK1-related condition. Last evaluated: 2019-11-20. Review status: no assertion criteria provided. Collection method: clinical testing. Allele origin: germline. Not counted in ClinVar's aggregate classification.
Comment: This variant is classified as likely benign based on ACMG/AMP sequence variant interpretation guidelines (Richards et al. 2015 PMID: 25741868, with internal and published modifications).

NM_015158.5(KANK1):c.2163A>G (p.Glu721=)

Gene: KANK1 (KN motif and ankyrin repeat domains 1; plus strand). Cytogenetic location: 9p24.3.
Variant type: single nucleotide variant.
Coding change: c.2163A>G on transcript NM_015158.5 (MANE Select); coding-DNA position 2163, A replaced by G.
Protein change: p.Glu721=; no amino-acid change (glutamic acid 721 retained).
Molecular consequence: synonymous variant. On other transcripts: non-coding transcript variant (1).
Genome position (GRCh38, 1-based): chr9:712,929, A>G. VCF-style: chr9-712929-A-G. GRCh37 (hg19) VCF-style: chr9-712929-A-G.
Other names: c.2163A>G (NM_015158.3); c.2163A>G, p.Glu721= (NM_001256876.3, NM_001256877.3, NM_001354331.2 and 2 more transcripts); c.1689A>G, p.Glu563= (NM_001354333.2, NM_001354335.2, NM_001354336.2 and 9 more transcripts).
Identifiers: ClinVar variation 2075448 (VCV002075448.6), dbSNP rs145499266, ClinGen allele CA4960440.